The following is an entry in ClinVar:

ClinVar aggregate classification (germline): Likely benign. Review status: criteria provided, single submitter (1 of 4 stars). 2 submissions from 2 submitters: Likely benign (1). 1 of the submissions does not count toward it. Last evaluated 2024-12-30.

Conditions:
KPNA7-related disorder. Also called: KPNA7-related condition.

Allele frequency attached by ClinVar (database versions not stated): gnomAD exomes 0.00001; gnomAD 0.00002 and 0.00003; TOPMed 0.00003.
gnomAD v4.1: 29 of 1,551,396 alleles (0.0019%); highest among the groups gnomAD compares: Admixed American, 0.0059%; no homozygotes.

Submissions (2):

Labcorp Genetics (formerly Invitae), Labcorp
Classification: Likely benign. Last evaluated: 2024-12-30. Review status: criteria provided, single submitter. Criteria: Invitae Variant Classification Sherloc (09022015). Collection method: clinical testing. Allele origin: germline.

PreventionGenetics, part of Exact Sciences
Classification: Likely benign for KPNA7-related condition. Last evaluated: 2019-08-21. Review status: no assertion criteria provided. Collection method: clinical testing. Allele origin: germline. Not counted in ClinVar's aggregate classification.
Comment: This variant is classified as likely benign based on ACMG/AMP sequence variant interpretation guidelines (Richards et al. 2015 PMID: 25741868, with internal and published modifications).

NM_001145715.3(KPNA7):c.660G>A (p.Thr220=)

Gene: KPNA7 (karyopherin subunit alpha 7; minus strand). Cytogenetic location: 7q22.1.
Variant type: single nucleotide variant.
Coding change: c.660G>A on transcript NM_001145715.3 (MANE Select); coding-DNA position 660, G replaced by A.
Protein change: p.Thr220=; no amino-acid change (threonine 220 retained).
Molecular consequence: synonymous variant.
Genome position (GRCh38, 1-based): chr7:99,188,540, C>T on the plus strand (G>A on the coding strand, the complement: KPNA7 is on the minus strand). VCF-style: chr7-99188540-C-T. GRCh37 (hg19) VCF-style: chr7-98786163-C-T.
Other names: c.660G>A (NM_001145715.2).
Identifiers: ClinVar variation 1108188 (VCV001108188.11), dbSNP rs1397313357, ClinGen allele CA456844000.